The following is an entry in ClinVar:

ClinVar aggregate classification (germline): Conflicting classifications of pathogenicity. Review status: criteria provided, conflicting classifications (1 of 4 stars). 9 submissions from 9 submitters: Likely pathogenic (3); Uncertain significance (5). 1 of the submissions does not count toward it. Last evaluated 2026-06-17.

Conditions:
ACSF3-related disorder. Also called: ACSF3-related condition.
Combined malonic and methylmalonic acidemia. Identifiers: Orphanet 289504, MedGen C3280314, MONDO:0013661, OMIM 614265.

Allele frequency attached by ClinVar (database versions not stated): gnomAD exomes 0.00008 and 0.00010; ExAC 0.00009; gnomAD 0.00009 and 0.00010; TOPMed 0.00015; ESP Exome Variant Server 0.00023.
gnomAD v4.1: 140 of 1,613,348 alleles (0.0087%); highest among the groups gnomAD compares: Middle Eastern, 0.2%; 1 homozygote.

Submissions (9):

Women's Health and Genetics/Laboratory Corporation of America, LabCorp
Classification: Uncertain significance. Last evaluated: 2026-06-17. Review status: criteria provided, single submitter. Criteria: LabCorp Variant Classification Summary - May 2015. Collection method: clinical testing. Allele origin: germline.
Comment: Variant summary: ACSF3 c.1081G>A (p.Gly361Ser) results in a non-conservative amino acid change located in the AMP-dependent synthetase/ligase (IPR000873) of the encoded protein sequence. Algorithms developed to predict the effect of missense changes on protein structure and function are either unavailable or do not agree on the potential impact of this missense change. The variant allele was found at a frequency of 0.0001 in 250644 control chromosomes. This frequency is not significantly higher than estimated for disease-causing variants in ACSF3, allowing no conclusion about variant significance. c.1081G>A has been reported in the literature in combination with another ACSF3 variant in at least one individual affected with Combined Malonic And Methylmalonic Aciduria (e.g., Levtova_2019). The report does not provide unequivocal conclusions about association of the variant with disease. To our knowledge, no experimental evidence demonstrating an impact on protein function has been reported. The following publication have been ascertained in the context of this evaluation (PMID: 30740739). ClinVar contains an entry for this variant (Variation ID: 539847). Based on the evidence outlined above, the variant was classified as uncertain significance.

Blueprint Genetics
Classification: Likely pathogenic for ACSF3-related disorders. Last evaluated: 2024-11-26. Review status: criteria provided, single submitter. Criteria: ACMG Guidelines, 2015. Collection method: clinical testing. Allele origin: germline. Affected: yes. Observed: 5 variant alleles.

Baylor Genetics
Classification: Likely pathogenic for Combined malonic and methylmalonic acidemia. Last evaluated: 2024-03-27. Review status: criteria provided, single submitter. Criteria: ACMG Guidelines, 2015. Collection method: clinical testing. Allele origin: unknown.

CeGaT Center for Human Genetics Tuebingen
Classification: Likely pathogenic. Last evaluated: 2022-02-01. Review status: criteria provided, single submitter. Criteria: CeGaT Center For Human Genetics Tuebingen Variant Classification Criteria Version 2. Collection method: clinical testing. Allele origin: germline. Affected: yes. Observed: 2 variant alleles.

Genome-Nilou Lab
Classification: Uncertain significance for Combined malonic and methylmalonic acidemia. Last evaluated: 2021-05-18. Review status: criteria provided, single submitter. Criteria: ACMG Guidelines, 2015. Collection method: clinical testing. Allele origin: germline. Affected: no.

GeneDx
Classification: Uncertain significance. Last evaluated: 2020-12-02. Review status: criteria provided, single submitter. Criteria: GeneDx Variant Classification Process June 2021. Collection method: clinical testing. Allele origin: germline. Affected: yes.
Comment: Identified in a patient with combined malonic and methylmalonic aciduria in the presence of a second ACSF3 variant in published literature (Levtova et al., 2019); In silico analysis, which includes protein predictors and evolutionary conservation, supports a deleterious effect; This variant is associated with the following publications: (PMID: 30740739)

Labcorp Genetics (formerly Invitae), Labcorp
Classification: Uncertain significance for Combined malonic and methylmalonic aciduria. Last evaluated: 2018-09-19. Review status: criteria provided, single submitter. Criteria: Invitae Variant Classification Sherloc (09022015). Collection method: clinical testing. Allele origin: germline.
Comment: This sequence change replaces glycine with serine at codon 361 of the ACSF3 protein (p.Gly361Ser). The glycine residue is highly conserved and there is a small physicochemical difference between glycine and serine. This variant is present in population databases (rs145285434, ExAC 0.01%). This variant has been observed in combination with another ACSF3 variant in an individual affected with combined malonic and methylmalonic aciduria (PMID:Â¬â€ 29858964). Algorithms developed to predict the effect of missense changes on protein structure and function do not agree on the potential impact of this missense change (SIFT: "Tolerated"; PolyPhen-2: "Probably Damaging"; Align-GVGD: "Class C0"). In summary, the available evidence is currently insufficient to determine the role of this variant in disease. Therefore, it has been classified as a Variant of Uncertain Significance.

Genomic Research Center, Shahid Beheshti University of Medical Sciences
Classification: Uncertain significance for Combined malonic and methylmalonic acidemia. Last evaluated: 2018-03-05. Review status: criteria provided, single submitter. Criteria: ACMG Guidelines, 2015. Collection method: clinical testing. Allele origin: inherited. Affected: no. Observed: 1 variant allele.

Natera, Inc.
Classification: Uncertain significance for Combined malonic and methylmalonic aciduria. Last evaluated: 2020-01-24. Review status: no assertion criteria provided. Collection method: clinical testing. Allele origin: germline. Not counted in ClinVar's aggregate classification.

Literature cited by the submitters: PubMed 30740739 (cited by Women's Health and Genetics/Laboratory Corporation of America, LabCorp).

NM_001243279.3(ACSF3):c.1081G>A (p.Gly361Ser)

Genes: ACSF3 (acyl-CoA synthetase family member 3; plus strand), LOC125177393 (P300/CBP strongly-dependent group 1 enhancer GRCh37_chr16:89180375-89181574; plus strand). Cytogenetic location: 16q24.3.
Variant type: single nucleotide variant.
Coding change: c.1081G>A on transcript NM_001243279.3 (MANE Select); coding-DNA position 1081, G replaced by A.
Protein change: p.Gly361Ser; replaces glycine 361 with serine.
Molecular consequence: missense variant. On other transcripts: non-coding transcript variant (2).
Genome position (GRCh38, 1-based): chr16:89,114,442, G>A. VCF-style: chr16-89114442-G-A. GRCh37 (hg19) VCF-style: chr16-89180850-G-A.
Other names: c.1081G>A, p.Gly361Ser (NM_001127214.4, NM_174917.5); c.286G>A, p.Gly96Ser (NM_001284316.2); short protein forms G361S, G96S.
Identifiers: ClinVar variation 539847 (VCV000539847.61), dbSNP rs145285434, ClinGen allele CA8237955.